The following is an entry in ClinVar:

ClinVar aggregate classification (germline): Conflicting classifications of pathogenicity. Review status: criteria provided, conflicting classifications (1 of 4 stars). 2 submissions from 2 submitters: Uncertain significance (1); Likely benign (1). Last evaluated 2026-01-11.

Allele frequency attached by ClinVar (database versions not stated): gnomAD 0.00002; gnomAD exomes 0.00002; ExAC 0.00009; TOPMed 0.00009.

Submissions (2):

Labcorp Genetics (formerly Invitae), Labcorp
Classification: Likely benign. Last evaluated: 2026-01-11. Review status: criteria provided, single submitter. Criteria: Invitae Variant Classification Sherloc (09022015). Collection method: clinical testing. Allele origin: germline.

GeneDx
Classification: Uncertain significance. Last evaluated: 2024-06-12. Review status: criteria provided, single submitter. Criteria: GeneDx Variant Classification Process June 2021. Collection method: clinical testing. Allele origin: germline. Affected: yes.
Comment: In silico analysis indicates that this missense variant does not alter protein structure/function; Has not been previously published as pathogenic or benign to our knowledge

NM_003737.4(DCHS1):c.5313G>A (p.Met1771Ile)

Gene: DCHS1 (dachsous cadherin-related 1; minus strand). Cytogenetic location: 11p15.4.
Variant type: single nucleotide variant.
Coding change: c.5313G>A on transcript NM_003737.4 (MANE Select); coding-DNA position 5313, G replaced by A.
Protein change: p.Met1771Ile; replaces methionine 1771 with isoleucine.
Molecular consequence: missense variant.
Genome position (GRCh38, 1-based): chr11:6,628,679, C>T on the plus strand (G>A on the coding strand, the complement: DCHS1 is on the minus strand). VCF-style: chr11-6628679-C-T. GRCh37 (hg19) VCF-style: chr11-6649910-C-T.
Other names: c.5313G>A (NM_003737.3); short protein forms M1771I.
Identifiers: ClinVar variation 1984763 (VCV001984763.5), dbSNP rs765375271, ClinGen allele CA5860122.
Genomic context (GRCh38, chr11:6,628,679, plus strand): 5'-ACCTAGGATGCGGTACTGCAACTGCCCATTGGCTCCCACATCTGGATCAGAGGCCCGAAG[C>T]ATGGTAAGGGTCTGGGGGTCCTGGCCCTCAGGCACCTCCAGAGAGAGATGGGCACTCCCA-3'
Protein context (NP_003728.1, residues 1761-1781): PEGQDPQTLT[Met1771Ile]LRASDPDVGA